The following is an entry in ClinVar:

NM_001367823.1(ARHGEF18):c.968-360C>A

Gene: ARHGEF18 (Rho/Rac guanine nucleotide exchange factor 18; plus strand). Cytogenetic location: 19p13.2.
Variant type: single nucleotide variant.
Coding change: c.968-360C>A on transcript NM_001367823.1 (MANE Select); 360 bases into the intron before coding-DNA position 968, C replaced by A.
Molecular consequence: intron variant. On other transcripts: 5 prime UTR variant (1).
Genome position (GRCh38, 1-based): chr19:7,439,984, C>A. VCF-style: chr19-7439984-C-A. GRCh37 (hg19) VCF-style: chr19-7504870-C-A.
Other names: c.-119C>A (NM_001130955.2); c.-226-205C>A (NM_001367824.1); c.-71-360C>A (NM_015318.4).
Identifiers: ClinVar variation 2106889 (VCV002106889.5), dbSNP rs2512436104, ClinGen allele CA403092673.
Genomic context (GRCh38, chr19:7,439,984, plus strand): 5'-TGCAATTTCCACAGTAAATGGTCACAGTGGGGACCAATATCCTGCCCTCCAGACCCGCTG[C>A]TTCAGCCAATACAGCAAGGGAAGACGCAGCTCTGTTTTCTAGAAGGATCCCACCGAGGCA-3'

ClinVar aggregate classification (germline): Uncertain significance. Review status: criteria provided, multiple submitters, no conflicts (2 of 4 stars). 2 submissions from 2 submitters: Uncertain significance (2). Last evaluated 2022-03-04.

Allele frequency attached by ClinVar (database versions not stated): gnomAD exomes below 0.00001.
gnomAD v4.1: 1 of 1,547,440 alleles (0.000065%); highest among the groups gnomAD compares: Admixed American, 0.002%; no homozygotes.

Submissions (2):

Labcorp Genetics (formerly Invitae), Labcorp
Classification: Uncertain significance. Last evaluated: 2022-03-04. Review status: criteria provided, single submitter. Criteria: Invitae Variant Classification Sherloc (09022015). Collection method: clinical testing. Allele origin: germline.
Comment: In summary, the available evidence is currently insufficient to determine the role of this variant in disease. Therefore, it has been classified as a Variant of Uncertain Significance. Algorithms developed to predict the effect of missense changes on protein structure and function output the following: SIFT: "Tolerated"; PolyPhen-2: "Benign"; Align-GVGD: "Class C0". The aspartic acid amino acid residue is found in multiple mammalian species, which suggests that this missense change does not adversely affect protein function. This variant has not been reported in the literature in individuals affected with ARHGEF18-related conditions. This variant is not present in population databases (gnomAD no frequency). This sequence change replaces alanine, which is neutral and non-polar, with aspartic acid, which is acidic and polar, at codon 15 of the ARHGEF18 protein (p.Ala15Asp).

Blueprint Genetics
Classification: Uncertain significance. Last evaluated: 2018-07-23. Review status: criteria provided, single submitter. Criteria: ACMG Guidelines, 2015. Collection method: clinical testing. Allele origin: germline.